The following is an entry in ClinVar:

ClinVar aggregate classification (germline): Uncertain significance. Review status: criteria provided, multiple submitters, no conflicts (2 of 4 stars). 7 submissions from 7 submitters: Uncertain significance (7). Last evaluated 2026-04-21.

Conditions:
VHL-related disorder. Also called: VHL-related condition.
Von Hippel-Lindau syndrome (VHLS). Also called: von Hippel–Lindau syndrome; Von Hippel-Lindau; VHL syndrome. Identifiers: Orphanet 892, MedGen C0019562, MONDO:0008667, OMIM 193300. Disease mechanism: loss of function.
Chuvash polycythemia. Also called: POLYCYTHEMIA, VHL-DEPENDENT. Identifiers: Orphanet 238557, MedGen C1837915, MONDO:0009892, OMIM 263400.
Hereditary cancer-predisposing syndrome. Also called: Neoplastic Syndromes, Hereditary; Hereditary neoplastic syndrome; Hereditary Cancer Syndrome; Tumor predisposition. Identifiers: Orphanet 140162, MedGen C0027672, MeSH D009386, MONDO:0015356.

Allele frequency attached by ClinVar (database versions not stated): gnomAD exomes below 0.00001; ExAC 0.00001; gnomAD 0.00002 and 0.00003; TOPMed 0.00006; ESP Exome Variant Server 0.00008.
gnomAD v4.1: 4 of 1,613,904 alleles (0.00025%); highest among the groups gnomAD compares: African/African-American, 0.0053%; no homozygotes.

Submissions (7):

Ambry Genetics
Classification: Uncertain significance for Hereditary cancer-predisposing syndrome. Last evaluated: 2026-04-21. Review status: criteria provided, single submitter. Criteria: Ambry Variant Classification Scheme 2023. Collection method: clinical testing. Allele origin: germline.
Comment: The p.D143H variant (also known as c.427G>C), located in coding exon 2 of the VHL gene, results from a G to C substitution at nucleotide position 427. The aspartic acid at codon 143 is replaced by histidine, an amino acid with similar properties. This variant was determined to be functionally neutral in one saturation genome editing assay (Buckley M et al. Nat Genet, 2024 Jul;56:1446-1455). This amino acid position is well conserved in available vertebrate species. In addition, the in silico prediction for this alteration is inconclusive. Based on the available evidence, the clinical significance of this variant remains unclear.

Labcorp Genetics (formerly Invitae), Labcorp
Classification: Uncertain significance for Von Hippel-Lindau syndrome; Chuvash polycythemia. Last evaluated: 2026-01-31. Review status: criteria provided, single submitter. Criteria: Invitae Variant Classification Sherloc (09022015). Collection method: clinical testing. Allele origin: germline.
Comment: This sequence change replaces aspartic acid, which is acidic and polar, with histidine, which is basic and polar, at codon 143 of the VHL protein (p.Asp143His). This variant is present in population databases (rs372757722, gnomAD 0.007%). This variant has not been reported in the literature in individuals affected with VHL-related conditions. ClinVar contains an entry for this variant (Variation ID: 238108). Invitae Evidence Modeling of protein sequence and biophysical properties (such as structural, functional, and spatial information, amino acid conservation, physicochemical variation, residue mobility, and thermodynamic stability) indicates that this missense variant is expected to disrupt VHL protein function with a positive predictive value of 80%. In summary, the available evidence is currently insufficient to determine the role of this variant in disease. Therefore, it has been classified as a Variant of Uncertain Significance.

PreventionGenetics, part of Exact Sciences
Classification: Uncertain significance for VHL-related condition. Last evaluated: 2026-01-11. Review status: criteria provided, single submitter. Criteria: ACMG Guidelines, 2015. Collection method: clinical testing. Allele origin: germline.
Comment: The VHL c.427G>C variant is predicted to result in the amino acid substitution p.Asp143His. This variant has been reported with uncertain significance in an individual with breast cancer (Table S1, McDonald et al. 2022. PubMed ID: 36315513). A functional study showed that this variant did not alter protein function (Supplementary Table 1, Buckley et al. 2024. PubMed ID: 38969834). This variant is reported in 0.0062% of alleles in individuals of African descent in gnomAD and is reported as uncertain in ClinVar (Variation ID: 238108). At this time, the clinical significance of this variant is uncertain due to the absence of conclusive functional and genetic evidence.

Color Diagnostics, LLC DBA Color Health
Classification: Uncertain significance for Von Hippel-Lindau syndrome. Last evaluated: 2025-07-18. Review status: criteria provided, single submitter. Criteria: ACMG Guidelines, 2015. Collection method: clinical testing. Allele origin: germline.
Comment: This missense variant replaces aspartic acid with histidine at codon 143 of the VHL protein. Computational prediction is inconclusive regarding the impact of this variant on protein structure and function. To our knowledge, functional studies have not been reported for this variant. This variant has not been reported in individuals affected with VHL-related disorders in the literature. This variant has been identified in 1/251496 chromosomes in the general population by the Genome Aggregation Database (gnomAD). The available evidence is insufficient to determine the role of this variant in disease conclusively. Therefore, this variant is classified as a Variant of Uncertain Significance.

Baylor Genetics
Classification: Uncertain significance for Chuvash polycythemia. Last evaluated: 2023-11-02. Review status: criteria provided, single submitter. Criteria: ACMG Guidelines, 2015. Collection method: clinical testing. Allele origin: unknown.

All of Us Research Program, National Institutes of Health
Classification: Uncertain significance for Von Hippel-Lindau syndrome. Last evaluated: 2023-05-30. Review status: criteria provided, single submitter. Criteria: ACMG Guidelines, 2015. Collection method: clinical testing. Allele origin: germline. Inheritance: Autosomal dominant inheritance. Observed: 3 variant alleles, 3 heterozygotes.
Comment: This missense variant replaces aspartic acid with histidine at codon 143 of the VHL protein. Computational prediction is inconclusive regarding the impact of this variant on protein structure and function (internally defined REVEL score threshold 0.5 < inconclusive < 0.7, PMID: 27666373). To our knowledge, functional studies have not been reported for this variant. This variant has not been reported in individuals affected with VHL-related disorders in the literature. This variant has been identified in 1/251496 chromosomes in the general population by the Genome Aggregation Database (gnomAD). The available evidence is insufficient to determine the role of this variant in disease conclusively. Therefore, this variant is classified as a Variant of Uncertain Significance.

This study involves interpretation of variants in research participants for the purpose of population health screening. Participant phenotype was not available at the time of variant classification. Additional details can be found in publication PMID: 35346344, PMCID: PMC8962531

GeneDx
Classification: Uncertain significance. Last evaluated: 2023-05-03. Review status: criteria provided, single submitter. Criteria: GeneDx Variant Classification Process June 2021. Collection method: clinical testing. Allele origin: germline. Affected: yes.
Comment: Not observed at significant frequency in large population cohorts (gnomAD); In silico analysis supports that this missense variant does not alter protein structure/function; Has not been previously published as pathogenic or benign to our knowledge

Literature cited by the submitters: PubMed 38969834 (cited by Ambry Genetics).

NM_000551.4(VHL):c.427G>C (p.Asp143His)

Genes: VHL (von Hippel-Lindau tumor suppressor; plus strand), LOC107303340 (3p25 von Hippel-Lindau tumor suppressor, E3 ubiquitin protein ligase Alu-mediated recombination region; plus strand). Cytogenetic location: 3p25.3.
Variant type: single nucleotide variant.
Coding change: c.427G>C on transcript NM_000551.4 (MANE Select); coding-DNA position 427, G replaced by C.
Protein change: p.Asp143His; replaces aspartic acid 143 with histidine.
Molecular consequence: missense variant. On other transcripts: intron variant (2).
Genome position (GRCh38, 1-based): chr3:10,146,600, G>C. VCF-style: chr3-10146600-G-C. GRCh37 (hg19) VCF-style: chr3-10188284-G-C.
Other names: c.*18-3187G>C (NM_001354723.2); c.341-3187G>C (NM_198156.3); short protein forms D143H.
Identifiers: ClinVar variation 238108 (VCV000238108.21), dbSNP rs372757722, ClinGen allele CA040938.